The following is an entry in ClinVar:

NM_020745.4(AARS2):c.2599-1G>A

Gene: AARS2 (alanyl-tRNA synthetase 2, mitochondrial; minus strand). Cytogenetic location: 6p21.1.
Variant type: single nucleotide variant.
Coding change: c.2599-1G>A on transcript NM_020745.4 (MANE Select); the canonical splice acceptor site of the intron before coding-DNA position 2599, G replaced by A.
Molecular consequence: splice acceptor variant.
Genome position (GRCh38, 1-based): chr6:44,301,465, C>T on the plus strand (G>A on the coding strand, the complement: AARS2 is on the minus strand). VCF-style: chr6-44301465-C-T. GRCh37 (hg19) VCF-style: chr6-44269202-C-T.
Identifiers: ClinVar variation 873458 (VCV000873458.1), dbSNP rs1785349774, ClinGen allele CA364336148.

ClinVar aggregate classification (germline): Likely pathogenic (1 of 4 stars; one submission).

Conditions:
Combined oxidative phosphorylation defect type 8. Also called: CARDIOMYOPATHY, HYPERTROPHIC MITOCHONDRIAL, FATAL INFANTILE. Identifiers: Orphanet 319504, MedGen C4518839, MONDO:0013570, OMIM 614096.

Submission:

UNC Molecular Genetics  Laboratory, University of North Carolina at Chapel Hill
Classification: Likely pathogenic for Combined oxidative phosphorylation deficiency 8. Review status: criteria provided, single submitter. Criteria: ACMG Guidelines, 2015. Collection method: research. Allele origin: germline. Affected: no. Study: NSIGHT-NC NEXUS.
Comment: This variant is predicted to alter a canonical mRNA splice acceptor site; however to our knowledge has not been reported in the literature.

carrier finding